The following is an entry in ClinVar:

ClinVar aggregate classification (germline): Uncertain significance. Review status: criteria provided, multiple submitters, no conflicts (2 of 4 stars). 2 submissions from 2 submitters: Uncertain significance (2). Last evaluated 2024-02-14.

Conditions:
Cardiovascular phenotype. Identifiers: MedGen CN230736.
Brugada syndrome 4 (BRGDA4). Identifiers: Orphanet 130, MedGen C2678477, MONDO:0012743, OMIM 611876.

Allele frequency attached by ClinVar (database versions not stated): TOPMed 0.00001; gnomAD exomes 0.00002; ExAC 0.00003.
gnomAD v4.1: 14 of 1,613,956 alleles (0.00087%); highest among the groups gnomAD compares: Admixed American, 0.023%; no homozygotes.

Submissions (2):

Labcorp Genetics (formerly Invitae), Labcorp
Classification: Uncertain significance for Brugada syndrome 4. Last evaluated: 2024-02-14. Review status: criteria provided, single submitter. Criteria: Invitae Variant Classification Sherloc (09022015). Collection method: clinical testing. Allele origin: germline.
Comment: This sequence change replaces alanine, which is neutral and non-polar, with valine, which is neutral and non-polar, at codon 529 of the CACNB2 protein (p.Ala529Val). This variant is present in population databases (rs754378411, gnomAD 0.04%), and has an allele count higher than expected for a pathogenic variant. This variant has not been reported in the literature in individuals affected with CACNB2-related conditions. ClinVar contains an entry for this variant (Variation ID: 1775800). Advanced modeling of protein sequence and biophysical properties (such as structural, functional, and spatial information, amino acid conservation, physicochemical variation, residue mobility, and thermodynamic stability) performed at Invitae indicates that this missense variant is not expected to disrupt CACNB2 protein function with a negative predictive value of 80%. In summary, the available evidence is currently insufficient to determine the role of this variant in disease. Therefore, it has been classified as a Variant of Uncertain Significance.

Ambry Genetics
Classification: Uncertain significance for Cardiovascular phenotype. Last evaluated: 2021-11-24. Review status: criteria provided, single submitter. Criteria: Ambry Variant Classification Scheme 2023. Collection method: clinical testing. Allele origin: germline.
Comment: The p.A529V variant (also known as c.1586C>T), located in coding exon 13 of the CACNB2 gene, results from a C to T substitution at nucleotide position 1586. The alanine at codon 529 is replaced by valine, an amino acid with similar properties. This amino acid position is conserved. In addition, this alteration is predicted to be tolerated by in silico analysis. Since supporting evidence is limited at this time, the clinical significance of this alteration remains unclear.

NM_201596.3(CACNB2):c.1748C>T (p.Ala583Val)

Gene: CACNB2 (calcium voltage-gated channel auxiliary subunit beta 2; plus strand). Cytogenetic location: 10p12.31.
Variant type: single nucleotide variant.
Coding change: c.1748C>T on transcript NM_201596.3 (MANE Select); coding-DNA position 1748, C replaced by T.
Protein change: p.Ala583Val; replaces alanine 583 with valine.
Molecular consequence: missense variant.
Genome position (GRCh38, 1-based): chr10:18,539,489, C>T. VCF-style: chr10-18539489-C-T. GRCh37 (hg19) VCF-style: chr10-18828418-C-T.
Other names: c.1583C>T, p.Ala528Val (NM_000724.4); c.1550C>T, p.Ala517Val (NM_001167945.2); c.1469C>T, p.Ala490Val (NM_001330060.2); c.1490C>T, p.Ala497Val (NM_001410882.1); c.1604C>T, p.Ala535Val (NM_201570.3); c.1664C>T, p.Ala555Val (NM_201571.4); c.1592C>T, p.Ala531Val (NM_201572.4); c.1586C>T, p.Ala529Val (NM_201590.3); and 2 more; short protein forms A497V, A535V, A583V, A490V, A559V, A517V, A528V, A529V.
Identifiers: ClinVar variation 1775800 (VCV001775800.5), dbSNP rs754378411, ClinGen allele CA5430154.